The following is an entry in ClinVar:

NM_000722.4(CACNA2D1):c.1222+4A>T

Genes: CACNA2D1 (calcium voltage-gated channel auxiliary subunit alpha2delta 1; minus strand), CACNA2D1-AS1 (CACNA2D1 antisense RNA 1; plus strand). Cytogenetic location: 7q21.11.
Variant type: single nucleotide variant.
Coding change: c.1222+4A>T on transcript NM_000722.4 (MANE Select); 4 bases into the intron after coding-DNA position 1222, A replaced by T.
Molecular consequence: intron variant.
Genome position (GRCh38, 1-based): chr7:82,014,397, T>A on the plus strand (A>T on the coding strand, the complement: CACNA2D1 is on the minus strand). VCF-style: chr7-82014397-T-A. GRCh37 (hg19) VCF-style: chr7-81643713-T-A.
Other names: c.1222+4A>T (NM_001366867.1).
Identifiers: ClinVar variation 848540 (VCV000848540.13), dbSNP rs79571328, ClinGen allele CA4318117.

ClinVar aggregate classification (germline): Conflicting classifications of pathogenicity. Review status: criteria provided, conflicting classifications (1 of 4 stars). 4 submissions from 4 submitters: Uncertain significance (2); Likely benign (2). Last evaluated 2025-12-02.

Conditions:
Brugada syndrome. Also called: Sudden Unexplained Death Syndrome; Sudden Unexplained Nocturnal Death Syndrome (SUNDS); Sudden unexpected nocturnal death syndrome; Sudden unexplained nocturnal death syndrome. Identifiers: Orphanet 130, MedGen C1142166, MONDO:0015263.
Cardiovascular phenotype. Identifiers: MedGen CN230736.

Allele frequency attached by ClinVar (database versions not stated): gnomAD exomes 0.00012; gnomAD 0.00013 and 0.00014; TOPMed 0.00014; ExAC 0.00015; ESP Exome Variant Server 0.00069.
gnomAD v4.1: 391 of 1,505,462 alleles (0.026%); highest among the groups gnomAD compares: Non-Finnish European, 0.034%; no homozygotes.

Submissions (4):

Labcorp Genetics (formerly Invitae), Labcorp
Classification: Uncertain significance for Brugada syndrome. Last evaluated: 2025-12-02. Review status: criteria provided, single submitter. Criteria: Invitae Variant Classification Sherloc (09022015). Collection method: clinical testing. Allele origin: germline.
Comment: This sequence change falls in intron 13 of the CACNA2D1 gene. It does not directly change the encoded amino acid sequence of the CACNA2D1 protein. It affects a nucleotide within the consensus splice site. This variant is present in population databases (rs79571328, gnomAD 0.03%). This variant has not been reported in the literature in individuals affected with CACNA2D1-related conditions. ClinVar contains an entry for this variant (Variation ID: 848540). Variants that disrupt the consensus splice site are a relatively common cause of aberrant splicing (PMID: 17576681, 9536098). Algorithms developed to predict the effect of sequence changes on RNA splicing suggest that this variant is not likely to affect RNA splicing. In summary, the available evidence is currently insufficient to determine the role of this variant in disease. Therefore, it has been classified as a Variant of Uncertain Significance.

Athena Diagnostics
Classification: Uncertain significance. Last evaluated: 2025-05-05. Review status: criteria provided, single submitter. Criteria: Athena Diagnostics Criteria. Collection method: clinical testing. Allele origin: unknown.
Comment: Available data are insufficient to determine the clinical significance of the variant at this time. The frequency of this variant in the general population is uninformative in assessment of its pathogenicity. Computational tools yielded predictions that this variant may interfere with normal RNA splicing.

Ambry Genetics
Classification: Likely benign for Cardiovascular phenotype. Last evaluated: 2023-08-16. Review status: criteria provided, single submitter. Criteria: Ambry Variant Classification Scheme 2023. Collection method: clinical testing. Allele origin: germline.

GeneDx
Classification: Likely benign. Last evaluated: 2019-12-03. Review status: criteria provided, single submitter. Criteria: GeneDx Variant Classification Process June 2021. Collection method: clinical testing. Allele origin: germline. Affected: yes.

Literature cited by the submitters: PubMed 17576681 (cited by Labcorp Genetics (formerly Invitae), Labcorp); PubMed 9536098 (cited by Labcorp Genetics (formerly Invitae), Labcorp); PubMed 28945198 (cited by Athena Diagnostics).